The following is an entry in ClinVar:

NM_015076.5(CDK19):c.1344C>T (p.Asn448=)

Gene: CDK19 (cyclin dependent kinase 19; minus strand). Cytogenetic location: 6q21.
Variant type: single nucleotide variant.
Coding change: c.1344C>T on transcript NM_015076.5 (MANE Select); coding-DNA position 1344, C replaced by T.
Protein change: p.Asn448=; no amino-acid change (asparagine 448 retained).
Molecular consequence: synonymous variant.
Genome position (GRCh38, 1-based): chr6:110,621,137, G>A on the plus strand (C>T on the coding strand, the complement: CDK19 is on the minus strand). VCF-style: chr6-110621137-G-A. GRCh37 (hg19) VCF-style: chr6-110942340-G-A.
Other names: c.1212C>T, p.Asn404= (NM_001300960.2); c.1164C>T, p.Asn388= (NM_001300963.2, NM_001300964.2).
Identifiers: ClinVar variation 5039188 (VCV005039188.1).
Genomic context (GRCh38, chr6:110,621,137, plus strand): 5'-TATGAACATTAGACATTCAGGGAGTACCTGATAATCCGAGGGCATCACAGGTCCACCTGA[G>A]TTTGCGCCTGAAGGCCCTAGCCGTGGCTTCTTGTTTGGAGGCACCTGGTTCAGGCTGGAG-3'
Protein context (NP_055891.1, residues 438-458): KKPRLGPSGA[Asn448=]SGGPVMPSDY

ClinVar aggregate classification (germline): Uncertain significance (1 of 4 stars; one submission).

Submission:

CeGaT Center for Human Genetics Tuebingen
Classification: Uncertain significance. Last evaluated: 2026-07-01. Review status: criteria provided, single submitter. Criteria: CeGaT Center For Human Genetics Tuebingen Variant Classification Criteria Version 2. Collection method: clinical testing. Allele origin: germline. Affected: yes. Observed: 1 variant allele.
Comment: CDK19: PM2:Supporting, BP4